The following is an entry in ClinVar:

NM_003322.6(TULP1):c.176C>T (p.Pro59Leu)

Gene: TULP1 (TUB like protein 1; minus strand). Cytogenetic location: 6p21.31.
Variant type: single nucleotide variant.
Coding change: c.176C>T on transcript NM_003322.6 (MANE Select); coding-DNA position 176, C replaced by T.
Protein change: p.Pro59Leu; replaces proline 59 with leucine.
Molecular consequence: missense variant.
Genome position (GRCh38, 1-based): chr6:35,512,194, G>A on the plus strand (C>T on the coding strand, the complement: TULP1 is on the minus strand). VCF-style: chr6-35512194-G-A. GRCh37 (hg19) VCF-style: chr6-35479971-G-A.
Other names: c.176C>T (NM_003322.3); c.176C>T, p.Pro59Leu (NM_001289395.2); short protein forms P59L.
Identifiers: ClinVar variation 1411099 (VCV001411099.6), dbSNP rs750115295, ClinGen allele CA3773005.

ClinVar aggregate classification (germline): Uncertain significance. Review status: criteria provided, multiple submitters, no conflicts (2 of 4 stars). 3 submissions from 3 submitters: Uncertain significance (3). Last evaluated 2025-04-25.

Conditions:
Inborn genetic diseases. Identifiers: MedGen C0950123, MeSH D030342.

Allele frequency attached by ClinVar (database versions not stated): gnomAD 0.00002; gnomAD exomes 0.00005; TOPMed 0.00005.
gnomAD v4.1: 4 of 1,347,076 alleles (0.0003%); highest among the groups gnomAD compares: Admixed American, 0.014%; no homozygotes.

Submissions (3):

Ambry Genetics
Classification: Uncertain significance for Inborn genetic diseases. Last evaluated: 2025-04-25. Review status: criteria provided, single submitter. Criteria: Ambry Variant Classification Scheme 2023. Collection method: clinical testing. Allele origin: germline.

Blueprint Genetics
Classification: Uncertain significance. Last evaluated: 2022-06-20. Review status: criteria provided, single submitter. Criteria: ACMG Guidelines, 2015. Collection method: clinical testing. Allele origin: germline.

Labcorp Genetics (formerly Invitae), Labcorp
Classification: Uncertain significance. Last evaluated: 2021-11-27. Review status: criteria provided, single submitter. Criteria: Invitae Variant Classification Sherloc (09022015). Collection method: clinical testing. Allele origin: germline.
Comment: This sequence change replaces proline, which is neutral and non-polar, with leucine, which is neutral and non-polar, at codon 59 of the TULP1 protein (p.Pro59Leu). This variant is present in population databases (rs750115295, gnomAD 0.05%). This variant has not been reported in the literature in individuals affected with TULP1-related conditions. Algorithms developed to predict the effect of missense changes on protein structure and function output the following: SIFT: "Not Available"; PolyPhen-2: "Benign"; Align-GVGD: "Not Available". The leucine amino acid residue is found in multiple mammalian species, which suggests that this missense change does not adversely affect protein function. In summary, the available evidence is currently insufficient to determine the role of this variant in disease. Therefore, it has been classified as a Variant of Uncertain Significance.